The following is an entry in ClinVar:

ClinVar aggregate classification (germline): Likely benign (1 of 4 stars; one submission).

Submission:

CeGaT Center for Human Genetics Tuebingen
Classification: Likely benign. Last evaluated: 2026-09-01. Review status: criteria provided, single submitter. Criteria: CeGaT Center For Human Genetics Tuebingen Variant Classification Criteria Version 2. Collection method: clinical testing. Allele origin: germline. Affected: yes. Observed: 1 variant allele.
Comment: PDZD9: BS2

NM_001363519.1(PDZD9):c.459del (p.Asn153fs)

Gene: PDZD9 (PDZ domain containing 9). Cytogenetic location: 16p12.2.
Variant type: Deletion.
Coding change: c.459del on transcript NM_001363519.1 (MANE Select); coding-DNA position 459, one base deleted.
Protein change: p.Asn153fs; shifts the reading frame from asparagine 153.
Molecular consequence: frameshift variant.
Genome position: GRCh38 VCF-style: chr16-21984602-CA-C. GRCh37 (hg19) VCF-style: chr16-21995923-CA-C.
Other names: c.273del, p.Asn91fs (NM_001370530.1); c.279del, p.Asn93fs (NM_173806.4); short protein forms N153fs, N91fs, N93fs.
Identifiers: ClinVar variation 5040783 (VCV005040783.1).